The following is an entry in ClinVar:

ClinVar aggregate classification (germline): Uncertain significance. Review status: criteria provided, multiple submitters, no conflicts (2 of 4 stars). 2 submissions from 2 submitters: Uncertain significance (2). Last evaluated 2022-04-26.

Allele frequency attached by ClinVar (database versions not stated): gnomAD exomes below 0.00001; ExAC 0.00001; gnomAD 0.00001.

Submissions (2):

Labcorp Genetics (formerly Invitae), Labcorp
Classification: Uncertain significance. Last evaluated: 2022-04-26. Review status: criteria provided, single submitter. Criteria: Invitae Variant Classification Sherloc (09022015). Collection method: clinical testing. Allele origin: germline.
Comment: ClinVar contains an entry for this variant (Variation ID: 1314264). This variant has not been reported in the literature in individuals affected with TUBB3-related conditions. The frequency data for this variant in the population databases is considered unreliable, as metrics indicate poor data quality at this position in the gnomAD database. This sequence change replaces glutamic acid, which is acidic and polar, with lysine, which is basic and polar, at codon 383 of the TUBB3 protein (p.Glu383Lys). Algorithms developed to predict the effect of missense changes on protein structure and function are either unavailable or do not agree on the potential impact of this missense change (SIFT: "Deleterious"; PolyPhen-2: "Possibly Damaging"; Align-GVGD: "Class C15"). In summary, the available evidence is currently insufficient to determine the role of this variant in disease. Therefore, it has been classified as a Variant of Uncertain Significance.

GeneDx
Classification: Uncertain significance. Last evaluated: 2021-03-31. Review status: criteria provided, single submitter. Criteria: GeneDx Variant Classification Process June 2021. Collection method: clinical testing. Allele origin: germline. Affected: yes.
Comment: Not observed at a significant frequency in large population cohorts (Lek et al., 2016); Missense variants in this gene are often considered pathogenic (Stenson et al., 2014); In silico analysis supports that this missense variant has a deleterious effect on protein structure/function; Has not been previously published as pathogenic or benign to our knowledge

NM_006086.4(TUBB3):c.1147G>A (p.Glu383Lys)

Gene: TUBB3 (tubulin beta 3 class III; plus strand). Cytogenetic location: 16q24.3.
Variant type: single nucleotide variant.
Coding change: c.1147G>A on transcript NM_006086.4 (MANE Select); coding-DNA position 1147, G replaced by A.
Protein change: p.Glu383Lys; replaces glutamic acid 383 with lysine.
Molecular consequence: missense variant.
Genome position (GRCh38, 1-based): chr16:89,935,598, G>A. VCF-style: chr16-89935598-G-A. GRCh37 (hg19) VCF-style: chr16-90002006-G-A.
Other names: c.931G>A, p.Glu311Lys (NM_001197181.2); short protein forms E311K, E383K.
Identifiers: ClinVar variation 1314264 (VCV001314264.6), dbSNP rs762254443, ClinGen allele CA8256213.